The following is an entry in ClinVar:

NM_000388.4(CASR):c.2618G>C (p.Arg873Pro)

Gene: CASR (calcium sensing receptor; plus strand). Cytogenetic location: 3q21.1.
Variant type: single nucleotide variant.
Coding change: c.2618G>C on transcript NM_000388.4 (MANE Select); coding-DNA position 2618, G replaced by C.
Protein change: p.Arg873Pro; replaces arginine 873 with proline.
Molecular consequence: missense variant.
Genome position (GRCh38, 1-based): chr3:122,284,572, G>C. VCF-style: chr3-122284572-G-C. GRCh37 (hg19) VCF-style: chr3-122003419-G-C.
Other names: c.2648G>C, p.Arg883Pro (NM_001178065.2); short protein forms R873P, R883P.
Identifiers: ClinVar variation 1365942 (VCV001365942.6), dbSNP rs2107650838, ClinGen allele CA354160420.

ClinVar aggregate classification (germline): Uncertain significance (1 of 4 stars; one submission).

Conditions:
Familial hypocalciuric hypercalcemia (FHH). Also called: Familial benign hypercalcemia. Identifiers: Orphanet 405, MedGen C1809471, MONDO:0018458.
Autosomal dominant hypocalcemia 1 (HYPOC1). Also called: HYPOCALCEMIA, FAMILIAL. Identifiers: MedGen C3715128, MONDO:0011013, OMIM 601198.

Submission:

Labcorp Genetics (formerly Invitae), Labcorp
Classification: Uncertain significance for Familial hypocalciuric hypercalcemia; Autosomal dominant hypocalcemia 1. Last evaluated: 2021-08-11. Review status: criteria provided, single submitter. Criteria: Invitae Variant Classification Sherloc (09022015). Collection method: clinical testing. Allele origin: germline.
Comment: This variant is not present in population databases (ExAC no frequency). This sequence change replaces arginine with proline at codon 873 of the CASR protein (p.Arg873Pro). The arginine residue is highly conserved and there is a moderate physicochemical difference between arginine and proline. This missense change has been observed in individual(s) with familial hypocalciuric hypercalcemia type 1 (PMID: 26963950). In summary, the available evidence is currently insufficient to determine the role of this variant in disease. Therefore, it has been classified as a Variant of Uncertain Significance. Algorithms developed to predict the effect of missense changes on protein structure and function (SIFT, PolyPhen-2, Align-GVGD) all suggest that this variant is likely to be disruptive.

Literature cited by the submitters: PubMed 26963950.